The following is an entry in ClinVar:

NM_016579.4(CD320):c.630T>A (p.Ser210=)

Gene: CD320 (CD320 molecule; minus strand). Cytogenetic location: 19p13.2.
Variant type: single nucleotide variant.
Coding change: c.630T>A on transcript NM_016579.4 (MANE Select); coding-DNA position 630, T replaced by A.
Protein change: p.Ser210=; no amino-acid change (serine 210 retained).
Molecular consequence: synonymous variant.
Genome position (GRCh38, 1-based): chr19:8,302,853, A>T on the plus strand (T>A on the coding strand, the complement: CD320 is on the minus strand). VCF-style: chr19-8302853-A-T. GRCh37 (hg19) VCF-style: chr19-8367737-A-T.
Other names: c.504T>A, p.Ser168= (NM_001165895.2).
Identifiers: ClinVar variation 682210 (VCV000682210.1), dbSNP rs1599620901, ClinGen allele CA505418012.
Genomic context (GRCh38, chr19:8,302,853, plus strand): 5'-CCCATAGGCAGTTGGGCTTCCAGACTGGTCTCCGGCAGAGGAGGATGTGGCATTCCCGAC[A>T]GAGGGGACACTCTCCAGGGTCACAGGGGGCCCCATGGTTGTGGCATTCCTGAGAGAGGTG-3'
Protein context (NP_057663.1, residues 200-220): GPPVTLESVP[Ser210=]VGNATSSSAG

ClinVar aggregate classification (germline): Likely benign (1 of 4 stars; one submission).

Allele frequency attached by ClinVar (database versions not stated): gnomAD exomes 0.00002.
gnomAD v4.1: 24 of 1,614,098 alleles (0.0015%); highest among the groups gnomAD compares: Non-Finnish European, 0.002%; no homozygotes.

Submission:

GeneDx
Classification: Likely benign. Last evaluated: 2018-04-13. Review status: criteria provided, single submitter. Criteria: GeneDx Variant Classification (06012015). Collection method: clinical testing. Allele origin: germline. Affected: yes.
Comment: This variant is considered likely benign or benign based on one or more of the following criteria: it is a conservative change, it occurs at a poorly conserved position in the protein, it is predicted to be benign by multiple in silico algorithms, and/or has population frequency not consistent with disease.